The following is an entry in ClinVar:

ClinVar aggregate classification (germline): Likely pathogenic (1 of 4 stars; one submission).

Submission:

Labcorp Genetics (formerly Invitae), Labcorp
Classification: Likely pathogenic. Last evaluated: 2024-02-10. Review status: criteria provided, single submitter. Criteria: Invitae Variant Classification Sherloc (09022015). Collection method: clinical testing. Allele origin: germline.
Comment: This sequence change affects an acceptor splice site in intron 17 of the OTOA gene. It is expected to disrupt RNA splicing. Variants that disrupt the donor or acceptor splice site typically lead to a loss of protein function (PMID: 16199547), and loss-of-function variants in OTOA are known to be pathogenic (PMID: 11972037). This variant is not present in population databases (gnomAD no frequency). This variant has not been reported in the literature in individuals affected with OTOA-related conditions. Algorithms developed to predict the effect of sequence changes on RNA splicing suggest that this variant may disrupt the consensus splice site. In summary, the currently available evidence indicates that the variant is pathogenic, but additional data are needed to prove that conclusively. Therefore, this variant has been classified as Likely Pathogenic.

Literature cited by the submitters: PubMed 16199547; PubMed 11972037.

NM_144672.4(OTOA):c.1881-1G>C

Gene: OTOA (otoancorin). Cytogenetic location: 16p12.2.
Variant type: single nucleotide variant.
Coding change: c.1881-1G>C on transcript NM_144672.4 (MANE Select); the canonical splice acceptor site of the intron before coding-DNA position 1881, G replaced by C.
Molecular consequence: splice acceptor variant.
Genome position (GRCh38, 1-based): chr16:21,726,522, G>C. VCF-style: chr16-21726522-G-C. GRCh37 (hg19) VCF-style: chr16-21737843-G-C.
Other names: c.1644-1G>C (NM_001161683.2); c.909-1G>C (NM_170664.3).
Identifiers: ClinVar variation 3692591 (VCV003692591.2).